The following is an entry in ClinVar:

ClinVar aggregate classification (germline): Uncertain significance. Review status: criteria provided, multiple submitters, no conflicts (2 of 4 stars). 3 submissions from 3 submitters: Uncertain significance (3). Last evaluated 2023-11-03.

Conditions:
Inborn genetic diseases. Identifiers: MedGen C0950123, MeSH D030342.
Achondrogenesis, type IA (ACG1A). Identifiers: Orphanet 932, Orphanet 93299, MedGen C0265273, MONDO:0008701, OMIM 200600.

Allele frequency attached by ClinVar (database versions not stated): TOPMed 0.00010; gnomAD exomes 0.00012; gnomAD 0.00013; ExAC 0.00017; ESP Exome Variant Server 0.00023.
gnomAD v4.1: 166 of 1,613,872 alleles (0.01%); highest among the groups gnomAD compares: Non-Finnish European, 0.014%; no homozygotes.

Submissions (3):

Ambry Genetics
Classification: Uncertain significance for Inborn genetic diseases. Last evaluated: 2023-11-03. Review status: criteria provided, single submitter. Criteria: Ambry Variant Classification Scheme 2023. Collection method: clinical testing. Allele origin: germline.

Labcorp Genetics (formerly Invitae), Labcorp
Classification: Uncertain significance for Achondrogenesis, type IA. Last evaluated: 2022-05-31. Review status: criteria provided, single submitter. Criteria: Invitae Variant Classification Sherloc (09022015). Collection method: clinical testing. Allele origin: germline.
Comment: This sequence change replaces aspartic acid, which is acidic and polar, with asparagine, which is neutral and polar, at codon 832 of the TRIP11 protein (p.Asp832Asn). This variant is present in population databases (rs374243914, gnomAD 0.02%). This variant has not been reported in the literature in individuals affected with TRIP11-related conditions. ClinVar contains an entry for this variant (Variation ID: 314959). Algorithms developed to predict the effect of missense changes on protein structure and function output the following: SIFT: "Not Available"; PolyPhen-2: "Benign"; Align-GVGD: "Not Available". The asparagine amino acid residue is found in multiple mammalian species, which suggests that this missense change does not adversely affect protein function. In summary, the available evidence is currently insufficient to determine the role of this variant in disease. Therefore, it has been classified as a Variant of Uncertain Significance.

Illumina Laboratory Services, Illumina
Classification: Uncertain significance for Achondrogenesis, type IA. Last evaluated: 2018-01-13. Review status: criteria provided, single submitter. Criteria: ICSL Variant Classification Criteria 13 December 2019. Collection method: clinical testing. Allele origin: germline.

NM_004239.4(TRIP11):c.2494G>A (p.Asp832Asn)

Gene: TRIP11 (thyroid hormone receptor interactor 11; minus strand). Cytogenetic location: 14q32.12.
Variant type: single nucleotide variant.
Coding change: c.2494G>A on transcript NM_004239.4 (MANE Select); coding-DNA position 2494, G replaced by A.
Protein change: p.Asp832Asn; replaces aspartic acid 832 with asparagine.
Molecular consequence: missense variant.
Genome position (GRCh38, 1-based): chr14:92,005,482, C>T on the plus strand (G>A on the coding strand, the complement: TRIP11 is on the minus strand). VCF-style: chr14-92005482-C-T. GRCh37 (hg19) VCF-style: chr14-92471826-C-T.
Other names: c.2491G>A, p.Asp831Asn (NM_001321851.1); short protein forms D832N, D831N.
Identifiers: ClinVar variation 314959 (VCV000314959.7), dbSNP rs374243914, ClinGen allele CA7313767.